The following is an entry in ClinVar:

ClinVar aggregate classification (germline): Uncertain significance (1 of 4 stars; one submission).

Submission:

Labcorp Genetics (formerly Invitae), Labcorp
Classification: Uncertain significance. Last evaluated: 2020-07-01. Review status: criteria provided, single submitter. Criteria: Invitae Variant Classification Sherloc (09022015). Collection method: clinical testing. Allele origin: germline.
Comment: This variant is not present in population databases (ExAC no frequency). This sequence change replaces valine with phenylalanine at codon 2326 of the MTOR protein (p.Val2326Phe). The valine residue is highly conserved and there is a small physicochemical difference between valine and phenylalanine. This variant has not been reported in the literature in individuals with MTOR-related conditions. In summary, the available evidence is currently insufficient to determine the role of this variant in disease. Therefore, it has been classified as a Variant of Uncertain Significance. Algorithms developed to predict the effect of missense changes on protein structure and function are either unavailable or do not agree on the potential impact of this missense change (SIFT: "Deleterious"; PolyPhen-2: "Probably Damaging"; Align-GVGD: "Class C0").

NM_004958.4(MTOR):c.6976G>T (p.Val2326Phe)

Gene: MTOR (mechanistic target of rapamycin kinase; minus strand). Cytogenetic location: 1p36.22.
Variant type: single nucleotide variant.
Coding change: c.6976G>T on transcript NM_004958.4 (MANE Select); coding-DNA position 6976, G replaced by T.
Protein change: p.Val2326Phe; replaces valine 2326 with phenylalanine.
Molecular consequence: missense variant.
Genome position (GRCh38, 1-based): chr1:11,117,044, C>A on the plus strand (G>T on the coding strand, the complement: MTOR is on the minus strand). VCF-style: chr1-11117044-C-A. GRCh37 (hg19) VCF-style: chr1-11177101-C-A.
Other names: short protein forms V2326F.
Identifiers: ClinVar variation 1006655 (VCV001006655.8), dbSNP rs1642201364, ClinGen allele CA338383503.